The following is an entry in ClinVar:

ClinVar aggregate classification (germline): Pathogenic (1 of 4 stars; one submission).

Conditions:
Autosomal recessive limb-girdle muscular dystrophy type 2O. Also called: Limb-Girdle Muscular Dystrophy Type 3C; MUSCULAR DYSTROPHY-DYSTROGLYCANOPATHY (LIMB-GIRDLE), TYPE C, 3; MUSCULAR DYSTROPHY-DYSTROGLYCANOPATHY, LIMB-GIRDLE, POMGNT1-RELATED. Identifiers: Orphanet 206564, MedGen C3150417, MONDO:0013161, OMIM 613157.
Muscular dystrophy-dystroglycanopathy (congenital with impaired intellectual development), type B, 3. Also called: MUSCULAR DYSTROPHY, CONGENITAL, POMGNT1-RELATED; Muscular dystrophy-dystroglycanopathy (congenital with intellectual disability), type B3. Identifiers: MedGen C3150412, MONDO:0013155, OMIM 613151.

Submission:

Labcorp Genetics (formerly Invitae), Labcorp
Classification: Pathogenic for Autosomal recessive limb-girdle muscular dystrophy type 2O; Muscular dystrophy-dystroglycanopathy (congenital with impaired intellectual development), type B, 3. Last evaluated: 2022-06-29. Review status: criteria provided, single submitter. Criteria: Invitae Variant Classification Sherloc (09022015). Collection method: clinical testing. Allele origin: germline.
Comment: For these reasons, this variant has been classified as Pathogenic. This variant has not been reported in the literature in individuals affected with POMGNT1-related conditions. This variant is not present in population databases (gnomAD no frequency). This sequence change creates a premature translational stop signal (p.Ile131Hisfs*20) in the POMGNT1 gene. It is expected to result in an absent or disrupted protein product. Loss-of-function variants in POMGNT1 are known to be pathogenic (PMID: 19299310, 20816175, 21447391, 26908613, 27391550).

Literature cited by the submitters: PubMed 19299310; PubMed 20816175; PubMed 21447391; PubMed 26908613; PubMed 27391550.

NM_017739.4(POMGNT1):c.389dup (p.Ile131fs)

Genes: POMGNT1 (protein O-linked mannose N-acetylglucosaminyltransferase 1 (beta 1,2-); minus strand), TSPAN1 (tetraspanin 1; plus strand). Cytogenetic location: 1p34.1.
Variant type: Duplication.
Coding change: c.389dup on transcript NM_017739.4 (MANE Select); coding-DNA position 389, one base duplicated (G; older notation c.389dupG).
Protein change: p.Ile131fs; shifts the reading frame from isoleucine 131.
Molecular consequence: frameshift variant. On other transcripts: 5 prime UTR variant (1).
Genome position (GRCh38, 1-based): chr1:46,196,043, C duplicated on the plus strand (G on the coding strand, the reverse complement: POMGNT1 is on the minus strand); the first of 4 consecutive C bases (chr1:46,196,043-46,196,046); duplicating any one gives the same sequence. VCF-style (leftmost placement, unchanged base first): chr1-46196042-G-GC. GRCh37 (hg19) VCF-style: chr1-46661714-G-GC.
Other names: c.389dup, p.Ile131fs (NM_001243766.2, NM_001410783.1); c.320dup, p.Ile109Hisfs (NM_001290129.3); c.-41dup (NM_001290130.2); short protein forms I131fs, I109fs.
Identifiers: ClinVar variation 2012115 (VCV002012115.4), dbSNP rs1658215662, ClinGen allele CA2580062994.
Genomic context (GRCh38, chr1:46,196,042, plus strand): 5'-CCTCTGGGTCACCCACCCCTAGAAACTCACCGTGGCCTGGTTGAGGACAATGACATGGAT[G>GC]CCCCGGCCCTGCTCCCGGGCCTCATCCTCCAGCACCTACACAGTGGCAGAGACAAAGTCC-3'